The following is an entry in ClinVar:

NM_004006.3(DMD):c.6638del (p.Leu2213fs)

Gene: DMD (dystrophin; minus strand). Cytogenetic location: Xp21.1.
Variant type: Deletion.
Coding change: c.6638del on transcript NM_004006.3 (MANE Select); coding-DNA position 6638, one base deleted (T; older notation c.6638delT).
Protein change: p.Leu2213fs; shifts the reading frame from leucine 2213.
Molecular consequence: frameshift variant. On other transcripts: 5 prime UTR variant (5).
Genome position (GRCh38, 1-based): chrX:31,932,204, A deleted on the plus strand (T on the coding strand, the reverse complement: DMD is on the minus strand); the first of 2 consecutive A bases (chrX:31,932,204-31,932,205); deleting either gives the same sequence. VCF-style (leftmost placement, unchanged base first): chrX-31932203-CA-C. GRCh37 (hg19) VCF-style: chrX-31950320-CA-C.
Other names: c.6614del, p.Leu2205fs (NM_000109.4); c.6637delT, p.Leu2213Cysfs (NM_004006.2); c.6626del, p.Leu2209fs (NM_004009.3); c.6269del, p.Leu2090fs (NM_004010.3); c.2615del, p.Leu872fs (NM_004011.4); c.2606del, p.Leu869fs (NM_004012.4); c.-743del (NM_004013.3, NM_004020.4, NM_004021.3 and 2 more transcripts); short protein forms L2090fs, L2205fs, L2209fs, L2213fs, L869fs, L872fs.
Identifiers: ClinVar variation 3338843 (VCV003338843.1).

ClinVar aggregate classification (germline): Pathogenic (1 of 4 stars; one submission).

Submission:

GeneDx
Classification: Pathogenic. Last evaluated: 2023-09-14. Review status: criteria provided, single submitter. Criteria: GeneDx Variant Classification Process June 2021. Collection method: clinical testing. Allele origin: germline. Affected: yes.
Comment: Frameshift variant predicted to result in protein truncation or nonsense mediated decay in a gene for which loss of function is a known mechanism of disease; Not observed at significant frequency in large population cohorts (gnomAD); This variant is associated with the following publications: (PMID: 23536893, 18583217)